The following is an entry in ClinVar:

NM_001142800.2(EYS):c.7405G>A (p.Gly2469Ser)

Gene: EYS (eyes shut homolog; minus strand). Cytogenetic location: 6q12.
Variant type: single nucleotide variant.
Coding change: c.7405G>A on transcript NM_001142800.2 (MANE Select); coding-DNA position 7405, G replaced by A.
Protein change: p.Gly2469Ser; replaces glycine 2469 with serine.
Molecular consequence: missense variant.
Genome position (GRCh38, 1-based): chr6:63,806,196, C>T on the plus strand (G>A on the coding strand, the complement: EYS is on the minus strand). VCF-style: chr6-63806196-C-T. GRCh37 (hg19) VCF-style: chr6-64516089-C-T.
Other names: c.7405G>A, p.Gly2469Ser (NM_001292009.2); short protein forms G2469S.
Identifiers: ClinVar variation 1441422 (VCV001441422.3), dbSNP rs1326140178, ClinGen allele CA364387345.

ClinVar aggregate classification (germline): Uncertain significance (1 of 4 stars; one submission).

Allele frequency attached by ClinVar (database versions not stated): TOPMed below 0.00001; gnomAD 0.00001.
gnomAD v4.1: 1 of 1,551,060 alleles (0.000064%); highest among the groups gnomAD compares: Non-Finnish European, 0.000087%; no homozygotes.

Submission:

Labcorp Genetics (formerly Invitae), Labcorp
Classification: Uncertain significance. Last evaluated: 2021-10-19. Review status: criteria provided, single submitter. Criteria: Invitae Variant Classification Sherloc (09022015). Collection method: clinical testing. Allele origin: germline.
Comment: This sequence change replaces glycine with serine at codon 2469 of the EYS protein (p.Gly2469Ser). The glycine residue is highly conserved and there is a small physicochemical difference between glycine and serine. This variant is not present in population databases (ExAC no frequency). This variant has not been reported in the literature in individuals affected with EYS-related conditions. Algorithms developed to predict the effect of missense changes on protein structure and function (SIFT, PolyPhen-2, Align-GVGD) all suggest that this variant is likely to be disruptive. In summary, the available evidence is currently insufficient to determine the role of this variant in disease. Therefore, it has been classified as a Variant of Uncertain Significance.